The following is an entry in ClinVar:

ClinVar aggregate classification (germline): Uncertain significance (1 of 4 stars; one submission).

Submission:

CeGaT Center for Human Genetics Tuebingen
Classification: Uncertain significance. Last evaluated: 2022-10-01. Review status: criteria provided, single submitter. Criteria: CeGaT Center For Human Genetics Tuebingen Variant Classification Criteria Version 2. Collection method: clinical testing. Allele origin: germline. Affected: yes. Observed: 1 variant allele.
Comment: POLA1: PM2

NM_001330360.2(POLA1):c.3517A>G (p.Arg1173Gly)

Gene: POLA1 (DNA polymerase alpha 1, catalytic subunit; plus strand). Cytogenetic location: Xp22.11.
Variant type: single nucleotide variant.
Coding change: c.3517A>G on transcript NM_001330360.2 (MANE Select); coding-DNA position 3517, A replaced by G.
Protein change: p.Arg1173Gly; replaces arginine 1173 with glycine.
Molecular consequence: missense variant. On other transcripts: non-coding transcript variant (2).
Genome position (GRCh38, 1-based): chrX:24,821,539, A>G. VCF-style: chrX-24821539-A-G. GRCh37 (hg19) VCF-style: chrX-24839656-A-G.
Other names: c.3442A>G, p.Arg1148Gly (NM_001378303.1); c.3499A>G, p.Arg1167Gly (NM_016937.4); short protein forms R1148G, R1167G, R1173G.
Identifiers: ClinVar variation 1879755 (VCV001879755.29), dbSNP rs2518694045, ClinGen allele CA412527473.